The following is an entry in ClinVar:

ClinVar aggregate classification (germline): Uncertain significance. Review status: criteria provided, multiple submitters, no conflicts (2 of 4 stars). 7 submissions from 7 submitters: Uncertain significance (7). Last evaluated 2026-11-05.

Conditions:
Inherited polyposis and early onset colorectal cancer - germline testing.
Hereditary cancer-predisposing syndrome. Also called: Neoplastic Syndromes, Hereditary; Tumor predisposition; Hereditary Cancer Syndrome; Hereditary neoplastic syndrome. Identifiers: Orphanet 140162, MedGen C0027672, MeSH D009386, MONDO:0015356.

Allele frequency attached by ClinVar (database versions not stated): TOPMed 0.00002; gnomAD exomes below 0.00001.
gnomAD v4.1: 41 of 1,614,076 alleles (0.0025%); highest among the groups gnomAD compares: Non-Finnish European, 0.0034%; no homozygotes.

Submissions (7):

Cambridge Genomics Laboratory, East Genomic Laboratory Hub, NHS Genomic Medicine Service
Classification: Uncertain significance for Inherited polyposis and early onset colorectal cancer - germline testing. Last evaluated: 2026-11-05. Review status: criteria provided, single submitter. Criteria: ACGS Best Practice Guidelines for Variant Classification in Rare Disease 2020. Collection method: clinical testing. Allele origin: germline. Affected: yes.

Labcorp Genetics (formerly Invitae), Labcorp
Classification: Uncertain significance. Last evaluated: 2025-12-23. Review status: criteria provided, single submitter. Criteria: Invitae Variant Classification Sherloc (09022015). Collection method: clinical testing. Allele origin: germline.
Comment: This sequence change replaces arginine, which is basic and polar, with leucine, which is neutral and non-polar, at codon 34 of the POLE protein (p.Arg34Leu). This variant is present in population databases (no rsID available, gnomAD 0.005%). This missense change has been observed in individual(s) with a family history of breast cancer (PMID: 35534704). ClinVar contains an entry for this variant (Variation ID: 405747). Invitae Evidence Modeling of protein sequence and biophysical properties (such as structural, functional, and spatial information, amino acid conservation, physicochemical variation, residue mobility, and thermodynamic stability) has been performed for this missense variant. However, the output from this modeling did not meet the statistical confidence thresholds required to predict the impact of this variant on POLE protein function. In summary, the available evidence is currently insufficient to determine the role of this variant in disease. Therefore, it has been classified as a Variant of Uncertain Significance.

Ambry Genetics
Classification: Uncertain significance for Hereditary cancer-predisposing syndrome. Last evaluated: 2025-03-24. Review status: criteria provided, single submitter. Criteria: Ambry Variant Classification Scheme 2023. Collection method: clinical testing. Allele origin: germline.
Comment: The p.R34L variant (also known as c.101G>T), located in coding exon 2 of the POLE gene, results from a G to T substitution at nucleotide position 101. The arginine at codon 34 is replaced by leucine, an amino acid with dissimilar properties. This amino acid position is conserved. In addition, the in silico prediction for this alteration is inconclusive. Based on the available evidence, the clinical significance of this variant remains unclear.

Center for Genomic Medicine, Rigshospitalet, Copenhagen University Hospital
Classification: Uncertain significance. Last evaluated: 2025-03-04. Review status: criteria provided, single submitter. Criteria: ACMG Guidelines, 2015. Collection method: clinical testing. Allele origin: germline.

Blueprint Genetics
Classification: Uncertain significance. Last evaluated: 2024-05-01. Review status: criteria provided, single submitter. Criteria: ACMG Guidelines, 2015. Collection method: clinical testing. Allele origin: germline.

GeneDx
Classification: Uncertain significance. Last evaluated: 2023-10-19. Review status: criteria provided, single submitter. Criteria: GeneDx Variant Classification Process June 2021. Collection method: clinical testing. Allele origin: germline. Affected: yes.
Comment: In silico analysis supports that this missense variant has a deleterious effect on protein structure/function; Has not been previously published as pathogenic or benign to our knowledge; This variant is associated with the following publications: (PMID: 34875656)

Quest Diagnostics Nichols Institute San Juan Capistrano
Classification: Uncertain significance. Last evaluated: 2018-05-22. Review status: criteria provided, single submitter. Criteria: Quest Diagnostics criteria. Collection method: clinical testing. Allele origin: germline.

Literature cited by the submitters: PubMed 35534704 (cited by Labcorp Genetics (formerly Invitae), Labcorp).

NM_006231.4(POLE):c.101G>T (p.Arg34Leu)

Gene: POLE (DNA polymerase epsilon, catalytic subunit; minus strand). Cytogenetic location: 12q24.33.
Variant type: single nucleotide variant.
Coding change: c.101G>T on transcript NM_006231.4 (MANE Select); coding-DNA position 101, G replaced by T.
Protein change: p.Arg34Leu; replaces arginine 34 with leucine.
Molecular consequence: missense variant.
Genome position (GRCh38, 1-based): chr12:132,681,241, C>A on the plus strand (G>T on the coding strand, the complement: POLE is on the minus strand). VCF-style: chr12-132681241-C-A. GRCh37 (hg19) VCF-style: chr12-133257827-C-A.
Other names: c.101G>T (NM_006231.2); short protein forms R34L.
Identifiers: ClinVar variation 405747 (VCV000405747.23), dbSNP rs747005851, ClinGen allele CA16613676.